The following is an entry in ClinVar:

NM_000492.4(CFTR):c.1224_1227del (p.Phe409fs)

Genes: CFTR (CF transmembrane conductance regulator; plus strand), CFTR-AS1 (CFTR antisense RNA 1; minus strand). Cytogenetic location: 7q31.2.
Variant type: Deletion.
Coding change: c.1224_1227del on transcript NM_000492.4 (MANE Select); coding-DNA positions 1224 to 1227, 4 bases deleted (ATTT; older notation c.1224_1227delATTT).
Protein change: p.Phe409fs; shifts the reading frame from phenylalanine 409.
Molecular consequence: frameshift variant.
Genome position (GRCh38, 1-based): chr7:117,548,655-117,548,658, ATTT deleted; deleting any 4 consecutive bases within chr7:117,548,653-117,548,658 gives the same sequence; the c. name uses the placement nearest the transcript's 3' end. VCF-style (leftmost placement, unchanged base first): chr7-117548652-ATTAT-A. GRCh37 (hg19) VCF-style: chr7-117188706-ATTAT-A.
Other names: short protein forms F409fs.
Identifiers: ClinVar variation 2799782 (VCV002799782.3), dbSNP rs2485045880, ClinGen allele CA2739279267.
Genomic context (GRCh38, chr7:117,548,652, plus strand): 5'-ATCTTTTATTTTTGATGTGTGTGTGTGTGTGTGTGTGTTTTTTTAACAGGGATTTGGGGA[ATTAT>A]TTGAGAAAGCAAAACAAAACAATAACAATAGAAAAACTTCTAATGGTGATGACAGCCTCT-3'

ClinVar aggregate classification (germline): Pathogenic (1 of 4 stars; one submission).

Conditions:
Cystic fibrosis (CF). Also called: MUCOVISCIDOSIS. Identifiers: Orphanet 586, MedGen C0010674, MONDO:0009061, OMIM 219700. Disease mechanism: loss of function.

Submission:

Labcorp Genetics (formerly Invitae), Labcorp
Classification: Pathogenic for Cystic fibrosis. Last evaluated: 2023-05-13. Review status: criteria provided, single submitter. Criteria: Invitae Variant Classification Sherloc (09022015). Collection method: clinical testing. Allele origin: germline.
Comment: For these reasons, this variant has been classified as Pathogenic. This variant has not been reported in the literature in individuals affected with CFTR-related conditions. This variant is not present in population databases (gnomAD no frequency). This sequence change creates a premature translational stop signal (p.Phe409Argfs*32) in the CFTR gene. It is expected to result in an absent or disrupted protein product. Loss-of-function variants in CFTR are known to be pathogenic (PMID: 1695717, 7691345, 9725922).

Literature cited by the submitters: PubMed 1695717; PubMed 7691345; PubMed 9725922.